The following is an entry in ClinVar:

ClinVar aggregate classification (germline): Uncertain significance (1 of 4 stars; one submission).

Conditions:
Tenorio syndrome (TNORS). Also called: OVERGROWTH, MACROCEPHALY, AND INTELLECTUAL DISABILITY SYNDROME. Identifiers: MedGen C4015710, MONDO:0014553, OMIM 616260.

Allele frequency attached by ClinVar (database versions not stated): gnomAD 0.00001; TOPMed 0.00001; gnomAD exomes 0.00004 and 0.00006; ExAC 0.00011.

Submission:

Labcorp Genetics (formerly Invitae), Labcorp
Classification: Uncertain significance for Tenorio syndrome. Last evaluated: 2019-04-25. Review status: criteria provided, single submitter. Criteria: Invitae Variant Classification Sherloc (09022015). Collection method: clinical testing. Allele origin: germline.
Comment: In summary, the available evidence is currently insufficient to determine the role of this variant in disease. Therefore, it has been classified as a Variant of Uncertain Significance. Algorithms developed to predict the effect of missense changes on protein structure and function do not agree on the potential impact of this missense change (SIFT: "Deleterious"; PolyPhen-2: "Benign"; Align-GVGD: "Class C0"). This variant has not been reported in the literature in individuals with RNF125-related disease. This variant is present in population databases (rs766520562, ExAC 0.02%). This sequence change replaces serine with cysteine at codon 16 of the RNF125 protein (p.Ser16Cys). The serine residue is highly conserved and there is a moderate physicochemical difference between serine and cysteine.

NM_017831.4(RNF125):c.47C>G (p.Ser16Cys)

Genes: RNF125 (ring finger protein 125; plus strand), LOC121852963 (Sharpr-MPRA regulatory region 13938; plus strand). Cytogenetic location: 18q12.1.
Variant type: single nucleotide variant.
Coding change: c.47C>G on transcript NM_017831.4 (MANE Select); coding-DNA position 47, C replaced by G.
Protein change: p.Ser16Cys; replaces serine 16 with cysteine.
Molecular consequence: missense variant.
Genome position (GRCh38, 1-based): chr18:32,018,910, C>G. VCF-style: chr18-32018910-C-G. GRCh37 (hg19) VCF-style: chr18-29598873-C-G.
Other names: short protein forms S16C.
Identifiers: ClinVar variation 542140 (VCV000542140.11), dbSNP rs766520562, ClinGen allele CA8930365.